The following is an entry in ClinVar:

NM_013275.6(ANKRD11):c.6882_6883del (p.Glu2295fs)

Gene: ANKRD11 (ankyrin repeat domain 11; minus strand). Cytogenetic location: 16q24.3.
Variant type: Deletion.
Coding change: c.6882_6883del on transcript NM_013275.6 (MANE Select); coding-DNA positions 6882 to 6883, 2 bases deleted (TG; older notation c.6882_6883delTG).
Protein change: p.Glu2295fs; shifts the reading frame from glutamic acid 2295.
Molecular consequence: frameshift variant.
Genome position (GRCh38, 1-based): chr16:89,279,659-89,279,660, CA deleted on the plus strand (TG on the coding strand, the reverse complement: ANKRD11 is on the minus strand). VCF-style (leftmost placement, unchanged base first): chr16-89279658-TCA-T. GRCh37 (hg19) VCF-style: chr16-89346066-TCA-T.
Other names: c.6882_6883del, p.Glu2295fs (NM_001256182.2, NM_001256183.2); short protein forms E2295fs.
Identifiers: ClinVar variation 973134 (VCV000973134.3), dbSNP rs2033996047, ClinGen allele CA1139664892.
Genomic context (GRCh38, chr16:89,279,658, plus strand): 5'-GCGGCTTCCGGCTGGATGCCGCCAGGAGGGCCTTCGGCTGGGGCGGCGGCACGGGAGGCC[TCA>T]GTGTCGTCCTCGGGGCCGGCACCGTCTGCGGCCTGAGCTTGTGCCACAGTGTTCGGGGCG-3'

ClinVar aggregate classification (germline): Pathogenic. Review status: criteria provided, single submitter (1 of 4 stars). 2 submissions from 2 submitters: Pathogenic (1). 1 of the submissions does not count toward it. Last evaluated 2022-10-04.

Conditions:
Intellectual disability. Also called: intellectual disabilities; Intellectual developmental disorder; Intellectual functioning disability. Identifiers: MedGen C3714756, MeSH D008607, MONDO:0001071, HP:0001249.
KBG syndrome (KBGS). Also called: ANKRD11-Related KBG Syndrome. Identifiers: Orphanet 2332, MedGen C0220687, MONDO:0007846, OMIM 148050.

Submissions (2):

Genetics Laboratory, UDIAT-Centre Diagnòstic, Hospital Universitari Parc Tauli
Classification: Pathogenic for KBG syndrome. Last evaluated: 2022-10-04. Review status: criteria provided, single submitter. Criteria: Parc Tauli Hospital Assertion Criteria 2021. Collection method: clinical testing. Allele origin: de novo. Inheritance: Autosomal dominant inheritance. Affected: yes.
Comment: PVS1;PM2_supporting;PM6;PP5

Diagnostic Laboratory, Strasbourg University Hospital
Classification: Pathogenic for Intellectual disability. Last evaluated: 2017-12-01. Review status: no assertion criteria provided. Collection method: clinical testing. Allele origin: unknown. Affected: yes. Observed: 1 heterozygote. Not counted in ClinVar's aggregate classification.